The following is an entry in ClinVar:

NM_198253.3(TERT):c.2105C>T (p.Pro702Leu)

Gene: TERT (telomerase reverse transcriptase; minus strand). Cytogenetic location: 5p15.33.
Variant type: single nucleotide variant.
Coding change: c.2105C>T on transcript NM_198253.3 (MANE Select); coding-DNA position 2105, C replaced by T.
Protein change: p.Pro702Leu; replaces proline 702 with leucine.
Molecular consequence: missense variant. On other transcripts: non-coding transcript variant (2).
Genome position (GRCh38, 1-based): chr5:1,279,316, G>A on the plus strand (C>T on the coding strand, the complement: TERT is on the minus strand). VCF-style: chr5-1279316-G-A. GRCh37 (hg19) VCF-style: chr5-1279431-G-A.
Other names: p.Pro702Leu; c.2105C>T, p.Pro702Leu (NM_001193376.3); short protein forms P702L.
Identifiers: ClinVar variation 653732 (VCV000653732.41), dbSNP rs754809046, ClinGen allele CA3184672.

ClinVar aggregate classification (germline): Conflicting classifications of pathogenicity. Review status: criteria provided, conflicting classifications (1 of 4 stars). 7 submissions from 7 submitters: Likely pathogenic (4); Uncertain significance (2). 1 of the submissions does not count toward it. Last evaluated 2026-08-14.

Conditions:
Idiopathic Pulmonary Fibrosis. Also called: Idiopathic fibrosing alveolitis, chronic form; idiopathic fibrosing alveolitis. Identifiers: Orphanet 2032, MedGen C1800706, MeSH D054990, MONDO:0800504.
Dyskeratosis congenita, autosomal dominant 2. Identifiers: MedGen C3151443, MONDO:0013521, OMIM 613989.
Acute myeloid leukemia (AML). Also called: Acute myeloid leukemia, adult; AML adult; Acute non-lymphocytic leukemia; Acute granulocytic leukemia; Leukemia, acute myeloid, somatic; Leukemia, acute myelogenous, somatic. Identifiers: Orphanet 519, MedGen C0023467, MeSH D015470, MONDO:0018874, OMIM 601626, HP:0004808. Disease mechanism: Constitutively activated FLT3.
Pulmonary fibrosis and/or bone marrow failure, Telomere-related, 1. Also called: PULMONARY FIBROSIS AND/OR BONE MARROW FAILURE SYNDROME, TELOMERE-RELATED, 1. Identifiers: Orphanet 88, MedGen C3553617, MONDO:0013878, OMIM 614742.
Melanoma, cutaneous malignant, susceptibility to, 9. Also called: Cutaneous malignant melanoma 9. Identifiers: Orphanet 618, MedGen C3554574, MONDO:0014056, OMIM 615134.
TERT-related disorder. Also called: TERT-related condition; TERT-related disorders.
Pulmonary fibrosis. Identifiers: MedGen C0034069, MONDO:0002771, HP:0002206.
Dyskeratosis congenita. Identifiers: Orphanet 1775, MedGen C0265965, MONDO:0015780.

Allele frequency attached by ClinVar (database versions not stated): ExAC below 0.00001; gnomAD exomes below 0.00001; gnomAD 0.00001; TOPMed 0.00001.
gnomAD v4.1: 2 of 1,584,866 alleles (0.00013%); highest among the groups gnomAD compares: Non-Finnish European, 0.00017%; no homozygotes.

Submissions (7):

PreventionGenetics, part of Exact Sciences
Classification: Likely pathogenic for TERT-related condition. Last evaluated: 2026-08-14. Review status: criteria provided, single submitter. Criteria: ACMG Guidelines, 2015. Collection method: clinical testing. Allele origin: germline.
Comment: The TERT c.2105C>T variant is predicted to result in the amino acid substitution p.Pro702Leu. This variant has been reported in multiple individuals with idiopathic pulmonary fibrosis and to segregate with disease in at least two families (Cronkhite et al. 2008. PubMed ID: 18635888; Newton et al. 2016. PubMed ID: 27540018; Table S4, Zhang et al. 2022. PubMed ID: 36028256) and in an individual with hematologic disease (Table E1, Borie et al. 2016. PubMed ID: 27836952). In vitro experimental studies suggest this variant decreases telomerase enzyme activity (Cronkhite et al. 2008. PubMed ID: 18635888). This variant has not been reported in a large population database (gnomAD), indicating this variant is rare. This variant is interpreted as likely pathogenic.

Ambry Genetics
Classification: Uncertain significance for Dyskeratosis congenita. Last evaluated: 2025-12-23. Review status: criteria provided, single submitter. Criteria: Ambry Variant Classification Scheme 2023. Collection method: clinical testing. Allele origin: germline.
Comment: The p.P702L variant (also known as c.2105C>T), located in coding exon 5 of the TERT gene, results from a C to T substitution at nucleotide position 2105. The proline at codon 702 is replaced by leucine, an amino acid with similar properties. Based on internal structural analysis, this variant is more disruptive than known pathogenic variants (Ambry Internal Data). This variant was identified in one or more individuals with features consistent with TERT-related disorder, and segregated with disease in at least one family (Cronkhite JT et al. Am J Respir Crit Care Med, 2008 Oct;178:729-37). This amino acid position is not well conserved in available vertebrate species. In addition, this alteration is predicted to be deleterious by in silico analysis. Based on the available evidence, the clinical significance of this variant remains unclear.

Labcorp Genetics (formerly Invitae), Labcorp
Classification: Likely pathogenic for Dyskeratosis congenita, autosomal dominant 2; Idiopathic Pulmonary Fibrosis. Last evaluated: 2025-08-26. Review status: criteria provided, single submitter. Criteria: Invitae Variant Classification Sherloc (09022015). Collection method: clinical testing. Allele origin: germline.
Comment: This sequence change replaces proline, which is neutral and non-polar, with leucine, which is neutral and non-polar, at codon 702 of the TERT protein (p.Pro702Leu). This variant is not present in population databases (gnomAD no frequency). This missense change has been observed in individual(s) with autosomal dominant idiopathic pulmonary fibrosis (PMID: 18635888). It has also been observed to segregate with disease in related individuals. ClinVar contains an entry for this variant (Variation ID: 653732). Invitae Evidence Modeling of protein sequence and biophysical properties (such as structural, functional, and spatial information, amino acid conservation, physicochemical variation, residue mobility, and thermodynamic stability) indicates that this missense variant is expected to disrupt TERT protein function with a positive predictive value of 95%. Experimental studies have shown that this missense change affects TERT function (PMID: 18635888). In summary, the currently available evidence indicates that the variant is pathogenic, but additional data are needed to prove that conclusively. Therefore, this variant has been classified as Likely Pathogenic.

Blueprint Genetics
Classification: Likely pathogenic for TERT-related disorders. Last evaluated: 2024-11-12. Review status: criteria provided, single submitter. Criteria: ACMG Guidelines, 2015. Collection method: clinical testing. Allele origin: germline. Affected: yes. Observed: 3 variant alleles.

Fulgent Genetics
Classification: Uncertain significance for Acute myeloid leukemia; Dyskeratosis congenita, autosomal dominant 2; Pulmonary fibrosis and/or bone marrow failure, Telomere-related, 1; Melanoma, cutaneous malignant, susceptibility to, 9. Last evaluated: 2024-02-02. Review status: criteria provided, single submitter. Criteria: ACMG Guidelines, 2015. Collection method: clinical testing. Allele origin: germline.

GeneDx
Classification: Likely pathogenic. Last evaluated: 2023-06-05. Review status: criteria provided, single submitter. Criteria: GeneDx Variant Classification Process June 2021. Collection method: clinical testing. Allele origin: germline. Affected: yes.
Comment: Not observed at significant frequency in large population cohorts (gnomAD); In silico analysis supports that this missense variant has a deleterious effect on protein structure/function; This variant is associated with the following publications: (PMID: 18635888, 27540018, 20502709)

Garcia Pulmonary Genetics Research Laboratory, Columbia University Irving Medical Center
Classification: Likely risk allele for Pulmonary fibrosis. Last evaluated: 2022-06-09. Review status: no assertion criteria provided. Collection method: research. Allele origin: germline. Affected: yes. Not counted in ClinVar's aggregate classification.
Comment: Leukocyte telomere length (by qPCR) less than 10th percentile age-adjusted

Literature cited by the submitters: PubMed 18635888 (cited by Ambry Genetics and Labcorp Genetics (formerly Invitae), Labcorp).